The following is an entry in ClinVar:

ClinVar aggregate classification (germline): Likely pathogenic. Review status: reviewed by expert panel (3 of 4 stars). 3 submissions from 3 submitters: Likely pathogenic (1). 2 of the submissions do not count toward it. Last evaluated 2025-08-26.

Conditions:
Hereditary cancer-predisposing syndrome. Also called: Neoplastic Syndromes, Hereditary; Hereditary neoplastic syndrome; Tumor predisposition; Hereditary Cancer Syndrome. Identifiers: Orphanet 140162, MedGen C0027672, MeSH D009386, MONDO:0015356.
DICER1-related tumor predisposition. Also called: DICER1-related pleuropulmonary blastoma cancer predisposition syndrome; DICER1 syndrome. Identifiers: Orphanet 284343, MedGen C3839822, MONDO:0100216.

Submissions (3):

ClinGen DICER1 and miRNA-Processing Gene Variant Curation Expert Panel, ClinGen
Classification: Likely pathogenic for DICER1-related tumor predisposition. Last evaluated: 2025-08-26. Review status: reviewed by expert panel. Criteria: ClinGen DICER1 ACMG Specifications DICER1 V1.4.0. Collection method: curation. Allele origin: germline. Inheritance: Autosomal dominant inheritance.
Comment: The NM_177438.3:c.1908-3C>G variant in DICER1 is an intronic variant resulting in an C to G substitution 3 nucleotides upstream from coding exon 12. This variant received a total of 1 phenotype points across 1 proband meeting DICER1 VCEP phenotype specificity scoring criteria of 1-1.5 points (PS4_Supporting; Internal lab contributors). This variant is absent from gnomAD v4.1.0 (PM2_Supporting). Sequencing of RNA from patients showed an out-of-frame impact on splicing, indicating that this variant impacts protein function (PS3; Internal lab contributors). The splice site predictors MaxEntScan and SpliceAI indicate that the variant impacts splicing, evidence that correlates with impact to DICER1 function (PP3). In summary, this variant meets the criteria to be classified as Likely Pathogenic for DICER1-related tumor predisposition based on the ACMG/AMP criteria applied, as specified by the ClinGen DICER1 VCEP: PS4_Supporting, PM2_Supporting, PS3, PP3. (Bayesian Points: 7; VCEP specifications version 1.4.0; 08/26/2025)

Labcorp Genetics (formerly Invitae), Labcorp
Classification: Likely pathogenic for DICER1-related tumor predisposition. Last evaluated: 2024-05-06. Review status: criteria provided, single submitter. Criteria: Invitae Variant Classification Sherloc (09022015). Collection method: clinical testing. Allele origin: germline. Not counted in ClinVar's aggregate classification.
Comment: This sequence change falls in intron 11 of the DICER1 gene. It does not directly change the encoded amino acid sequence of the DICER1 protein. RNA analysis indicates that this variant induces altered splicing and may result in an absent or disrupted protein product. This variant is not present in population databases (gnomAD no frequency). This variant has been observed in individual(s) with clinical features of DICER1-associated disease (Invitae). ClinVar contains an entry for this variant (Variation ID: 836280). Variants that disrupt the consensus splice site are a relatively common cause of aberrant splicing (PMID: 17576681, 9536098). Studies have shown that this variant results in skipping of exon 12 and introduces a premature termination codon (Invitae). The resulting mRNA is expected to undergo nonsense-mediated decay. In summary, the currently available evidence indicates that the variant is pathogenic, but additional data are needed to prove that conclusively. Therefore, this variant has been classified as Likely Pathogenic.

Ambry Genetics
Classification: Likely pathogenic for Hereditary cancer-predisposing syndrome. Last evaluated: 2024-02-29. Review status: criteria provided, single submitter. Criteria: Ambry Variant Classification Scheme 2023. Collection method: clinical testing. Allele origin: germline. Not counted in ClinVar's aggregate classification.
Comment: The c.1908-3C>G intronic variant results from a C to G substitution 3 nucleotides upstream from coding exon 11 in the DICER1 gene. This variant has been observed in at least one individual with a personal and/or family history that is consistent with DICER1-related tumor predisposition syndrome (Ambry internal data). This nucleotide position is well conserved in available vertebrate species. In silico splice site analysis predicts that this alteration will weaken the native splice acceptor site and will result in the creation or strengthening of a novel splice acceptor site. RNA studies have demonstrated that this alteration results in abnormal splicing in the set of samples tested (Ambry internal data). Based on the majority of available evidence to date, this variant is likely to be pathogenic.

Literature cited by the submitters: PubMed 17576681 (cited by Labcorp Genetics (formerly Invitae), Labcorp); PubMed 9536098 (cited by Labcorp Genetics (formerly Invitae), Labcorp).

NM_177438.3(DICER1):c.1908-3C>G

Gene: DICER1 (dicer 1, ribonuclease III; minus strand). Cytogenetic location: 14q32.13.
Variant type: single nucleotide variant.
Coding change: c.1908-3C>G on transcript NM_177438.3 (MANE Select); 3 bases into the intron before coding-DNA position 1908, C replaced by G.
Molecular consequence: intron variant.
Genome position (GRCh38, 1-based): chr14:95,113,227, G>C on the plus strand (C>G on the coding strand, the complement: DICER1 is on the minus strand). VCF-style: chr14-95113227-G-C. GRCh37 (hg19) VCF-style: chr14-95579564-G-C.
Other names: c.1908-3C>G (NM_001291628.2, NM_030621.4, NM_001271282.3 and 1 more transcripts).
Identifiers: ClinVar variation 836280 (VCV000836280.13), dbSNP rs1462448145, ClinGen allele CA916081733.